The following is an entry in ClinVar:

NM_017837.4(PIGV):c.-62C>T

Gene: PIGV (phosphatidylinositol glycan anchor biosynthesis class V; plus strand). Cytogenetic location: 1p36.11.
Variant type: single nucleotide variant.
Coding change: c.-62C>T on transcript NM_017837.4 (MANE Select); 62 bases upstream of the start codon, C replaced by T.
Molecular consequence: 5 prime UTR variant. On other transcripts: non-coding transcript variant (1), intron variant (5).
Genome position (GRCh38, 1-based): chr1:26,788,264, C>T. VCF-style: chr1-26788264-C-T. GRCh37 (hg19) VCF-style: chr1-27114755-C-T.
Other names: c.-613C>T (NM_001202554.2, NM_001374485.1); c.-188C>T (NM_001374482.1); c.-62C>T (NM_001374486.1); c.-58+1046C>T (NM_001374478.1); c.-58+275C>T (NM_001374480.1); c.-58+458C>T (NM_001374481.1, NM_001374484.1); c.-304+458C>T (NM_001374483.1).
Identifiers: ClinVar variation 682186 (VCV000682186.1), dbSNP rs1229317654, ClinGen allele CA734521988.

ClinVar aggregate classification (germline): Likely benign (1 of 4 stars; one submission).

Allele frequency attached by ClinVar (database versions not stated): TOPMed 0.00001; gnomAD 0.00001.

Submission:

GeneDx
Classification: Likely benign. Last evaluated: 2018-04-18. Review status: criteria provided, single submitter. Criteria: GeneDx Variant Classification (06012015). Collection method: clinical testing. Allele origin: germline. Affected: yes.
Comment: This variant is considered likely benign or benign based on one or more of the following criteria: it is a conservative change, it occurs at a poorly conserved position in the protein, it is predicted to be benign by multiple in silico algorithms, and/or has population frequency not consistent with disease.